The following is an entry in ClinVar:

NM_002241.5(KCNJ10):c.*1368C>T

Gene: KCNJ10 (potassium inwardly rectifying channel subfamily J member 10; minus strand). Cytogenetic location: 1q23.2.
Variant type: single nucleotide variant.
Coding change: c.*1368C>T on transcript NM_002241.5 (MANE Select); 1368 bases downstream of the stop codon, C replaced by T.
Molecular consequence: 3 prime UTR variant.
Genome position (GRCh38, 1-based): chr1:160,040,025, G>A on the plus strand (C>T on the coding strand, the complement: KCNJ10 is on the minus strand). VCF-style: chr1-160040025-G-A. GRCh37 (hg19) VCF-style: chr1-160009815-G-A.
Identifiers: ClinVar variation 876414 (VCV000876414.4), dbSNP rs73021683, ClinGen allele CA31468924.

ClinVar aggregate classification (germline): Benign/Likely benign. Review status: criteria provided, single submitter (1 of 4 stars). 2 submissions from 1 submitter: Benign (1); Likely benign (1). Last evaluated 2018-01-12.

Conditions:
EAST syndrome (SESAMES). Also called: SEIZURES, SENSORINEURAL DEAFNESS, ATAXIA, IMPAIRED INTELLECTUAL DEVELOPMENT, AND ELECTROLYTE IMBALANCE. Identifiers: Orphanet 199343, MedGen C2748572, MONDO:0013005, OMIM 612780.
Autosomal recessive nonsyndromic hearing loss 4 (DFNB4). Also called: Deafness, autosomal recessive 4; NEUROSENSORY NONSYNDROMIC RECESSIVE DEAFNESS 4; FOXI1-Related Pendred Syndrome; KCNJ10-Related Pendred Syndrome; DEAFNESS, AUTOSOMAL RECESSIVE 4, WITH ENLARGED VESTIBULAR AQUEDUCT, DIGENIC; Nonsyndromic enlarged vestibular aqueduct (NSEVA). Identifiers: Orphanet 90636, MedGen C3538946, MONDO:0010933, OMIM 600791.

Allele frequency attached by ClinVar (database versions not stated): gnomAD 0.00847 and 0.01019; gnomAD exomes 0.00935; TOPMed 0.01019; 1000 Genomes Project 0.02177; 1000 Genomes Project 30x 0.02280.
gnomAD v4.1: 1,564 of 152,592 alleles (1%); highest among the groups gnomAD compares: South Asian, 6.4%; 16 homozygotes.

Submissions (2):

Illumina Laboratory Services, Illumina
Classification: Benign for EAST syndrome. Last evaluated: 2018-01-12. Review status: criteria provided, single submitter. Criteria: ICSL Variant Classification Criteria 13 December 2019. Collection method: clinical testing. Allele origin: germline.
Comment: This variant was observed in the ICSL laboratory as part of a predisposition screen in an ostensibly healthy population. It had not been previously curated by ICSL or reported in the Human Gene Mutation Database (HGMD: prior to June 1st, 2018), and was therefore a candidate for classification through an automated scoring system. Utilizing variant allele frequency, disease prevalence and penetrance estimates, and inheritance mode, an automated score was calculated to assess if this variant is too frequent to cause the disease. Based on the score and internal cut-off values, a variant classified as benign is not then subjected to further curation. The score for this variant resulted in a classification of benign for this disease.

Illumina Laboratory Services, Illumina
Classification: Likely benign for Autosomal recessive nonsyndromic hearing loss 4. Last evaluated: 2018-01-12. Review status: criteria provided, single submitter. Criteria: ICSL Variant Classification Criteria 13 December 2019. Collection method: clinical testing. Allele origin: germline.
Comment: This variant was observed in the ICSL laboratory as part of a predisposition screen in an ostensibly healthy population. It had not been previously curated by ICSL or reported in the Human Gene Mutation Database (HGMD: prior to June 1st, 2018), and was therefore a candidate for classification through an automated scoring system. Utilizing variant allele frequency, disease prevalence and penetrance estimates, and inheritance mode, an automated score was calculated to assess if this variant is too frequent to cause the disease. Based on the score and internal cut-off values, a variant classified as likely benign is not then subjected to further curation. The score for this variant resulted in a classification of likely benign for this disease.